The following is an entry in ClinVar:

NM_002834.5(PTPN11):c.569T>A (p.Leu190Ter)

Gene: PTPN11 (protein tyrosine phosphatase non-receptor type 11; plus strand). Cytogenetic location: 12q24.13.
Variant type: single nucleotide variant.
Coding change: c.569T>A on transcript NM_002834.5 (MANE Select); coding-DNA position 569, T replaced by A.
Protein change: p.Leu190Ter; replaces leucine 190 with a stop codon.
Molecular consequence: nonsense.
Genome position (GRCh38, 1-based): chr12:112,454,607, T>A. VCF-style: chr12-112454607-T-A. GRCh37 (hg19) VCF-style: chr12-112892411-T-A.
Other names: c.569T>A, p.Leu190Ter (NM_001330437.2, NM_080601.3); c.566T>A, p.Leu189Ter (NM_001374625.1); short protein forms L190*, L189*.
Identifiers: ClinVar variation 966477 (VCV000966477.7), dbSNP rs2038125958, ClinGen allele CA386782379.

ClinVar aggregate classification (germline): Pathogenic (1 of 4 stars; one submission).

Conditions:
RASopathy. Also called: Noonan spectrum disorder; rasopathies. Identifiers: Orphanet 536391, MedGen C5555857, MONDO:0021060.

Submission:

Labcorp Genetics (formerly Invitae), Labcorp
Classification: Pathogenic for RASopathy. Last evaluated: 2019-10-15. Review status: criteria provided, single submitter. Criteria: Invitae Variant Classification Sherloc (09022015). Collection method: clinical testing. Allele origin: germline.
Comment: Loss-of-function variants in PTPN11 are known to be pathogenic (PMID: 20577567, 21533187). This sequence change creates a premature translational stop signal (p.Leu190*) in the PTPN11 gene. It is expected to result in an absent or disrupted protein product. This variant is not present in population databases (ExAC no frequency). This variant has not been reported in the literature in individuals with PTPN11-related conditions. Algorithms developed to predict the effect of sequence changes on RNA splicing suggest that this variant may create or strengthen a splice site, but this prediction has not been confirmed by published transcriptional studies. For these reasons, this variant has been classified as Pathogenic.

Literature cited by the submitters: PubMed 20577567; PubMed 21533187.